The following is an entry in ClinVar:

NM_002609.4(PDGFRB):c.94G>A (p.Gly32Ser)

Gene: PDGFRB (platelet derived growth factor receptor beta; minus strand). Cytogenetic location: 5q32.
Variant type: single nucleotide variant.
Coding change: c.94G>A on transcript NM_002609.4 (MANE Select); coding-DNA position 94, G replaced by A.
Protein change: p.Gly32Ser; replaces glycine 32 with serine.
Molecular consequence: missense variant. On other transcripts: 5 prime UTR variant (2).
Genome position (GRCh38, 1-based): chr5:150,135,825, C>T on the plus strand (G>A on the coding strand, the complement: PDGFRB is on the minus strand). VCF-style: chr5-150135825-C-T. GRCh37 (hg19) VCF-style: chr5-149515388-C-T.
Other names: c.-99G>A (NM_001355016.2); c.-424G>A (NM_001355017.2); short protein forms G32S.
Identifiers: ClinVar variation 1305172 (VCV001305172.7), dbSNP rs761286709, ClinGen allele CA3508414.

ClinVar aggregate classification (germline): Uncertain significance. Review status: criteria provided, multiple submitters, no conflicts (2 of 4 stars). 3 submissions from 3 submitters: Uncertain significance (3). Last evaluated 2025-10-22.

Conditions:
Inborn genetic diseases. Identifiers: MedGen C0950123, MeSH D030342.
Acroosteolysis-keloid-like lesions-premature aging syndrome. Also called: Progeroid syndrome, Penttinen type; Premature aging syndrome, Penttinen type; Prematurely aged appearance, delayed bone maturation, acro-osteolysis, and brachydactyly. Identifiers: Orphanet 363665, MedGen C1866182, MONDO:0011150, OMIM 601812.
Basal ganglia calcification, idiopathic, 4 (PFBC4). Also called: PRIMARY FAMILIAL BRAIN CALCIFICATION 4, AUTOSOMAL DOMINANT; Familial Idiopathic Basal Ganglia Calcification 4. Identifiers: Orphanet 1980, MedGen C3554321, MONDO:0014004, OMIM 615007.
Infantile myofibromatosis (IMF). Also called: Congenital generalized fibromatosis. Identifiers: Orphanet 2591, MedGen C0432284, MONDO:0016824.
Skeletal overgrowth-craniofacial dysmorphism-hyperelastic skin-white matter lesions syndrome. Also called: SKELETAL OVERGROWTH WITH FACIAL DYSMORPHISM, HYPERELASTIC SKIN, WHITE MATTER LESIONS, AND NEUROLOGIC DETERIORATION; Kosaki overgrowth syndrome. Identifiers: Orphanet 477831, MedGen C4225270, MONDO:0014704, OMIM 616592.

Allele frequency attached by ClinVar (database versions not stated): gnomAD 0.00001; TOPMed 0.00001; gnomAD exomes 0.00002 and 0.00005; ExAC 0.00001.

Submissions (3):

Ambry Genetics
Classification: Uncertain significance for Inborn genetic diseases. Last evaluated: 2025-10-22. Review status: criteria provided, single submitter. Criteria: Ambry Variant Classification Scheme 2023. Collection method: clinical testing. Allele origin: germline.

Labcorp Genetics (formerly Invitae), Labcorp
Classification: Uncertain significance for Basal ganglia calcification, idiopathic, 4; Skeletal overgrowth-craniofacial dysmorphism-hyperelastic skin-white matter lesions syndrome; Infantile myofibromatosis; Acroosteolysis-keloid-like lesions-premature aging syndrome. Last evaluated: 2025-05-13. Review status: criteria provided, single submitter. Criteria: Invitae Variant Classification Sherloc (09022015). Collection method: clinical testing. Allele origin: germline.
Comment: This sequence change replaces glycine, which is neutral and non-polar, with serine, which is neutral and polar, at codon 32 of the PDGFRB protein (p.Gly32Ser). This variant is present in population databases (rs761286709, gnomAD 0.005%). This variant has not been reported in the literature in individuals affected with PDGFRB-related conditions. ClinVar contains an entry for this variant (Variation ID: 1305172). Invitae Evidence Modeling of protein sequence and biophysical properties (such as structural, functional, and spatial information, amino acid conservation, physicochemical variation, residue mobility, and thermodynamic stability) indicates that this missense variant is not expected to disrupt PDGFRB protein function with a negative predictive value of 80%. In summary, the available evidence is currently insufficient to determine the role of this variant in disease. Therefore, it has been classified as a Variant of Uncertain Significance.

GeneDx
Classification: Uncertain significance. Last evaluated: 2019-04-11. Review status: criteria provided, single submitter. Criteria: GeneDx Variant Classification Process June 2021. Collection method: clinical testing. Allele origin: germline. Affected: yes.
Comment: In silico analysis supports that this missense variant does not alter protein structure/function; Has not been previously published as pathogenic or benign to our knowledge